The following is an entry in ClinVar:

NM_000400.4(ERCC2):c.1758+2T>C

Gene: ERCC2 (ERCC excision repair 2, TFIIH core complex helicase subunit; minus strand). Cytogenetic location: 19q13.32.
Variant type: single nucleotide variant.
Coding change: c.1758+2T>C on transcript NM_000400.4 (MANE Select); the canonical splice donor site of the intron after coding-DNA position 1758, T replaced by C.
Molecular consequence: splice donor variant.
Genome position (GRCh38, 1-based): chr19:45,353,240, A>G on the plus strand (T>C on the coding strand, the complement: ERCC2 is on the minus strand). VCF-style: chr19-45353240-A-G. GRCh37 (hg19) VCF-style: chr19-45856498-A-G.
Identifiers: ClinVar variation 2711050 (VCV002711050.3), dbSNP rs2514002471, ClinGen allele CA406364263.

ClinVar aggregate classification (germline): Likely pathogenic (1 of 4 stars; one submission).

Submission:

Labcorp Genetics (formerly Invitae), Labcorp
Classification: Likely pathogenic. Last evaluated: 2023-07-27. Review status: criteria provided, single submitter. Criteria: Invitae Variant Classification Sherloc (09022015). Collection method: clinical testing. Allele origin: germline.
Comment: This variant has not been reported in the literature in individuals affected with ERCC2-related conditions. In summary, the currently available evidence indicates that the variant is pathogenic, but additional data are needed to prove that conclusively. Therefore, this variant has been classified as Likely Pathogenic. Algorithms developed to predict the effect of sequence changes on RNA splicing suggest that this variant may disrupt the consensus splice site. This variant is not present in population databases (gnomAD no frequency). This sequence change affects a donor splice site in intron 18 of the ERCC2 gene. It is expected to disrupt RNA splicing. Variants that disrupt the donor or acceptor splice site typically lead to a loss of protein function (PMID: 16199547), and loss-of-function variants in ERCC2 are known to be pathogenic (PMID: 9238033, 11335038, 19085937, 19934020).

Literature cited by the submitters: PubMed 16199547; PubMed 9238033; PubMed 11335038; PubMed 19085937; PubMed 19934020.